The following is an entry in ClinVar:

NM_001278116.2(L1CAM):c.473G>A (p.Cys158Tyr)

Gene: L1CAM (L1 cell adhesion molecule; minus strand). Cytogenetic location: Xq28.
Variant type: single nucleotide variant.
Coding change: c.473G>A on transcript NM_001278116.2 (MANE Select); coding-DNA position 473, G replaced by A.
Protein change: p.Cys158Tyr; replaces cysteine 158 with tyrosine.
Molecular consequence: missense variant.
Genome position (GRCh38, 1-based): chrX:153,871,107, C>T on the plus strand (G>A on the coding strand, the complement: L1CAM is on the minus strand). VCF-style: chrX-153871107-C-T. GRCh37 (hg19) VCF-style: chrX-153136562-C-T.
Other names: c.473G>A, p.Cys158Tyr (NM_000425.5, NM_024003.3); c.458G>A, p.Cys153Tyr (NM_001143963.2); short protein forms C153Y, C158Y.
Identifiers: ClinVar variation 641627 (VCV000641627.8), dbSNP rs1603276234, ClinGen allele CA415136571.

ClinVar aggregate classification (germline): Likely pathogenic (1 of 4 stars; one submission).

Conditions:
Spastic paraplegia. Identifiers: MedGen C0037772, HP:0001258.

Submission:

Labcorp Genetics (formerly Invitae), Labcorp
Classification: Likely pathogenic for Spastic paraplegia. Last evaluated: 2018-09-11. Review status: criteria provided, single submitter. Criteria: Invitae Variant Classification Sherloc (09022015). Collection method: clinical testing. Allele origin: germline.
Comment: In summary, the currently available evidence indicates that the variant is pathogenic, but additional data are needed to prove that conclusively. Therefore, this variant has been classified as Likely Pathogenic. Algorithms developed to predict the effect of missense changes on protein structure and function (SIFT, PolyPhen-2, Align-GVGD) all suggest that this variant is likely to be disruptive, but these predictions have not been confirmed by published functional studies and their clinical significance is uncertain. This variant has been observed to be de novo in an individual affected with hydrocephalus and adducted thumbs (Invitae). This variant is not present in population databases (ExAC no frequency). This sequence change replaces cysteine with tyrosine at codon 158 of the L1CAM protein (p.Cys158Tyr). The cysteine residue is highly conserved and there is a large physicochemical difference between cysteine and tyrosine.